The following is an entry in ClinVar:

NM_022765.4(MICAL1):c.1378C>G (p.Leu460Val)

Gene: MICAL1 (microtubule associated monooxygenase, calponin and LIM domain containing 1; minus strand). Cytogenetic location: 6q21.
Variant type: single nucleotide variant.
Coding change: c.1378C>G on transcript NM_022765.4 (MANE Select); coding-DNA position 1378, C replaced by G.
Protein change: p.Leu460Val; replaces leucine 460 with valine.
Molecular consequence: missense variant.
Genome position (GRCh38, 1-based): chr6:109,449,713, G>C on the plus strand (C>G on the coding strand, the complement: MICAL1 is on the minus strand). VCF-style: chr6-109449713-G-C. GRCh37 (hg19) VCF-style: chr6-109770916-G-C.
Other names: c.1120C>G, p.Leu374Val (NM_001159291.2); c.1435C>G, p.Leu479Val (NM_001286613.2); short protein forms L374V, L479V, L460V.
Identifiers: ClinVar variation 2113165 (VCV002113165.4), dbSNP rs2482796609, ClinGen allele CA365230118.
Genomic context (GRCh38, chr6:109,449,713, plus strand): 5'-TGACCTGATTGGGGGTCACTGCCCGGAGGTTCAGGTTGGGGTAGCGGGTGGCTGGGTCCA[G>C]CCCATACTGGGCCACATTGCGATGCATGTTTTCTGGGGATGTCTGTGACAGAAGCTGGTA-3'
Protein context (NP_073602.3, residues 450-470): NMHRNVAQYG[Leu460Val]DPATRYPNLN

ClinVar aggregate classification (germline): Uncertain significance (1 of 4 stars; one submission).

Allele frequency attached by ClinVar (database versions not stated): gnomAD exomes below 0.00001.
gnomAD v4.1: 1 of 1,598,326 alleles (0.000063%); highest among the groups gnomAD compares: Non-Finnish European, 0.000085%; no homozygotes.

Submission:

Labcorp Genetics (formerly Invitae), Labcorp
Classification: Uncertain significance. Last evaluated: 2022-11-08. Review status: criteria provided, single submitter. Criteria: Invitae Variant Classification Sherloc (09022015). Collection method: clinical testing. Allele origin: germline.
Comment: This sequence change replaces leucine, which is neutral and non-polar, with valine, which is neutral and non-polar, at codon 479 of the MICAL1 protein (p.Leu479Val). This variant is not present in population databases (gnomAD no frequency). This variant has not been reported in the literature in individuals affected with MICAL1-related conditions. Algorithms developed to predict the effect of missense changes on protein structure and function are either unavailable or do not agree on the potential impact of this missense change (SIFT: "Deleterious"; PolyPhen-2: "Benign"; Align-GVGD: "Class C0"). In summary, the available evidence is currently insufficient to determine the role of this variant in disease. Therefore, it has been classified as a Variant of Uncertain Significance.